The following is an entry in ClinVar:

ClinVar aggregate classification (germline): Conflicting classifications of pathogenicity. Review status: criteria provided, conflicting classifications (1 of 4 stars). 17 submissions from 17 submitters: Uncertain significance (3); Benign (1); Likely benign (10). 3 of the submissions do not count toward it. Last evaluated 2026-09-01.

Conditions:
TERT-related disorder. Also called: TERT-related disorders; TERT-related condition.
Dyskeratosis congenita, autosomal dominant 2. Identifiers: MedGen C3151443, MONDO:0013521, OMIM 613989.
Idiopathic Pulmonary Fibrosis. Also called: Idiopathic fibrosing alveolitis, chronic form; idiopathic fibrosing alveolitis. Identifiers: Orphanet 2032, MedGen C1800706, MeSH D054990, MONDO:0800504.
Melanoma, cutaneous malignant, susceptibility to, 9. Also called: Cutaneous malignant melanoma 9. Identifiers: Orphanet 618, MedGen C3554574, MONDO:0014056, OMIM 615134.
Pulmonary fibrosis and/or bone marrow failure, Telomere-related, 1. Also called: PULMONARY FIBROSIS AND/OR BONE MARROW FAILURE SYNDROME, TELOMERE-RELATED, 1. Identifiers: Orphanet 88, MedGen C3553617, MONDO:0013878, OMIM 614742.
Acute myeloid leukemia (AML). Also called: Acute myeloid leukemia, adult; AML adult; Acute non-lymphocytic leukemia; Acute granulocytic leukemia; Leukemia, acute myeloid, somatic; Leukemia, acute myelogenous, somatic. Identifiers: Orphanet 519, MedGen C0023467, MeSH D015470, MONDO:0018874, OMIM 601626, HP:0004808. Disease mechanism: Constitutively activated FLT3.
Dyskeratosis congenita. Identifiers: Orphanet 1775, MedGen C0265965, MONDO:0015780.
Interstitial lung disease 2 (ILD2). Also called: Familial idiopathic pulmonary fibrosis; FIBROCYSTIC PULMONARY DYSPLASIA; FIBROSING ALVEOLITIS, CRYPTOGENIC. Identifiers: Orphanet 2032, Orphanet 79126, MedGen C5561926, MONDO:0800497, OMIM 178500, MONDO:0800029.
Hepatoblastoma. Identifiers: Orphanet 449, MedGen C0206624, MONDO:0018666, HP:0002884.

Submissions 1 to 15 of 17:

CeGaT Center for Human Genetics Tuebingen
Classification: Likely benign. Last evaluated: 2026-09-01. Review status: criteria provided, single submitter. Criteria: CeGaT Center For Human Genetics Tuebingen Variant Classification Criteria Version 2. Collection method: clinical testing. Allele origin: germline. Affected: yes. Observed: 26 variant alleles.
Comment: TERT: BP3, BS1

Labcorp Genetics (formerly Invitae), Labcorp
Classification: Likely benign for Dyskeratosis congenita, autosomal dominant 2; Idiopathic Pulmonary Fibrosis. Last evaluated: 2026-02-01. Review status: criteria provided, single submitter. Criteria: Invitae Variant Classification Sherloc (09022015). Collection method: clinical testing. Allele origin: germline.

Mayo Clinic Laboratories, Mayo Clinic
Classification: Likely benign. Last evaluated: 2025-10-09. Review status: criteria provided, single submitter. Criteria: ACMG Guidelines, 2015. Collection method: clinical testing. Allele origin: germline. Observed: 5 variant alleles.
Comment: BS1, BS3_supporting, BP3

ARUP Laboratories, Molecular Genetics and Genomics, ARUP Laboratories
Classification: Likely benign. Last evaluated: 2025-03-11. Review status: criteria provided, single submitter. Criteria: ARUP Molecular Germline Variant Investigation Process 2024. Collection method: clinical testing. Allele origin: germline.

Blueprint Genetics
Classification: Likely benign. Last evaluated: 2024-11-21. Review status: criteria provided, single submitter. Criteria: ACMG Guidelines, 2015. Collection method: clinical testing. Allele origin: germline.

Institute for Clinical Genetics, University Hospital TU Dresden, University Hospital TU Dresden
Classification: Uncertain significance. Last evaluated: 2021-11-03. Review status: criteria provided, single submitter. Criteria: ACMG Guidelines, 2015. Collection method: clinical testing. Allele origin: germline.

Sema4
Classification: Likely benign for Dyskeratosis congenita. Last evaluated: 2021-05-18. Review status: criteria provided, single submitter. Criteria: Sema4 Curation Guidelines. Collection method: curation. Allele origin: germline.

GeneDx
Classification: Likely benign. Last evaluated: 2020-12-18. Review status: criteria provided, single submitter. Criteria: GeneDx Variant Classification Process June 2021. Collection method: clinical testing. Allele origin: germline. Affected: yes.
Comment: This variant is associated with the following publications: (PMID: 27153395, 22853774, 21520173, 23901009, 19147845, 19674077, 19760749, 15814878, 28951115)

St. Jude Molecular Pathology, St. Jude Children's Research Hospital
Classification: Likely benign for Dyskeratosis congenita. Last evaluated: 2020-09-10. Review status: criteria provided, single submitter. Criteria: St. Jude Assertion Criteria 2020. Collection method: clinical testing. Allele origin: germline.
Comment: The p.Glu441del frameshift variant has a frequency of 0.001719 (311 of 180,940 alleles) in gnomAD v2.1.1 with a maximal allele frequency of 0.003621 (261 of 72,072) in the European non-Finnish subpopulation. Pathogenic variants in the TERT gene predispose individuals to dyskeratosis congenita (DKC). While the exact prevalence of DKC is unknown, it is estimated to occur in approximately 1 in 1 million people. Therefore, the population frequency is not consistent with disease (BS1). This variant has been reported as heterozygous in an individual with aplastic anemia (PMID: 19674077) and as homozygous in an individual with acute myeloid leukemia (PMID: 19147845). The variant represents an in-frame deletion of 1 glutamic acid residue in a repeat of 3 glutamic acid residues (BP3). Results of telomerase activity assays have been conflicting. In several reports, the E441del variant has similar activity to the wild-type allele (PMID: 15814878, 23901009), however another report demonstrated approximately 40% of functional activity as compared to the wild-type allele (PMID: 19147845). In summary, this variant meets criteria to be classified as likely benign based on the ACMG/AMP criteria: BS1, BP3.

Mendelics
Classification: Benign for Interstitial lung disease 2. Last evaluated: 2019-05-28. Review status: criteria provided, single submitter. Criteria: Mendelics Assertion Criteria 2017. Collection method: clinical testing. Allele origin: unknown.

Laboratory for Molecular Medicine, Mass General Brigham Personalized Medicine
Classification: Likely benign. Last evaluated: 2018-03-22. Review status: criteria provided, single submitter. Criteria: LMM Criteria. Collection method: clinical testing. Allele origin: germline. Observed: 2 variant alleles.
Comment: p.Glu441del in exon 2 of TERT: This variant is classified as likely benign becau se it has been identified in 0.4% (248/68934) of European chromosomes by the Gen ome Aggregation Database (gnomAD; dbSNP rs3776 39087). Of note, gibbons have a deletion at this position despite high nearby am ino acid conservation. In addition, although this variant has been reported in s everal studies in individuals with TERT-related conditions, many of these studie s consider the variant to be a polymorphism and the functional evidence availabl e suggests this variant does not have a significant impact on telomere length (Y amaguchi 2005, Calado 2009, Calado 2011, Kirwan 2009, Calado 2011, Fernandez 201 2, Zaug 2013, Maxwell 2016). ACMG/AMP Criteria applied: BS1; BS3_Supporting.

Eurofins Ntd Llc (ga)
Classification: Uncertain significance. Last evaluated: 2016-10-26. Review status: criteria provided, single submitter. Criteria: EGL Classification Definitions 2015. Collection method: clinical testing. Allele origin: germline. Observed: 1 variant allele, 1 heterozygote.

Genetic Services Laboratory, University of Chicago
Classification: Likely benign. Last evaluated: 2015-03-13. Review status: criteria provided, single submitter. Criteria: ACMG Guidelines, 2015. Collection method: clinical testing. Allele origin: germline.

Center for Genomics, Ann and Robert H. Lurie Children's Hospital of Chicago
Classification: Uncertain significance for Dyskeratosis congenita, autosomal dominant 2; Melanoma, cutaneous malignant, susceptibility to, 9; Pulmonary fibrosis and/or bone marrow failure, Telomere-related, 1; Acute myeloid leukemia. Review status: criteria provided, single submitter. Criteria: ACMG Guidelines, 2015. Collection method: clinical testing. Allele origin: germline.
Comment: TERT NM_198253.2 exon 2 p.Glu441del (c.1323_1325del): This variant has been reported in the literature as heterozygous in at 2 least individuals with varying phenotypes (hepatic cirrhosis, aplastic anemia) as well as homozygous in 1 individual with acute myelogenous leukemia (AML) (Yamaguchi 2005 PMID:15814878, Calado 2009 PMID:19674077, Calado 2009 PMID:19147845, Calado 2011 PMIDL21520173). The interpretation of this variant in the current literature is unclear, with at least 2 publications calling this variant a polymorphism (Yamaguchi 2005 PMID:15814878, Maxwell 2016 PMID:27153395). Functional studies are also conflicting, suggesting either a 40% reduction (compared to WT) to near normal effect of this variant on telomerase enzyme activity (Calado 2009 PMID:19147845, Zaug 2013 PMID:23901009). This variant is also present in 0.3% (248/68934) of European alleles in the Genome Aggregation Database. This variant is present in ClinVar, with discrepant classifications ranging from likely benign to variant of uncertain significance (Variation ID:212398).This variant represents an in-frame deletion of 1 glutamic acid residue in a repeat of 3 glutamic acids. This is not predicted to alter the reading frame, but the ultimate effect of this variant on the protein is unclear. Evolutionary conservation and computational predictive tools for this variant are limited or unavailable. In summary, data on this variant is insufficient for disease classification. Therefore, the clinical significance of this variant is uncertain.

PreventionGenetics, part of Exact Sciences
Classification: Likely benign for TERT-related condition. Last evaluated: 2023-06-01. Review status: no assertion criteria provided. Collection method: clinical testing. Allele origin: germline. Not counted in ClinVar's aggregate classification.
Comment: This variant is classified as likely benign based on ACMG/AMP sequence variant interpretation guidelines (Richards et al. 2015 PMID: 25741868, with internal and published modifications).

NM_198253.3(TERT):c.1317GGA[2] (p.Glu441del)

Gene: TERT (telomerase reverse transcriptase; minus strand). Cytogenetic location: 5p15.33.
Variant type: Microsatellite.
Coding change: c.1317GGA[2] on transcript NM_198253.3 (MANE Select); two copies in a row of the 3-base unit GGA starting at c.1317; the reference has three copies in a row; one copy, 3 bases deleted; also written c.1323_1325del.
Protein change: p.Glu441del; deletes glutamic acid 441.
Molecular consequence: inframe deletion. On other transcripts: non-coding transcript variant (2).
Genome position (GRCh38, 1-based): chr5:1,293,561-1,293,563, TCC deleted on the plus strand (GGA on the coding strand, the reverse complement: TERT is on the minus strand); deleting any 3 consecutive bases within chr5:1,293,561-1,293,571 gives the same sequence; the position shown is the placement nearest the transcript's 3' end. VCF-style (leftmost placement, unchanged base first): chr5-1293560-GTCC-G. GRCh37 (hg19) VCF-style: chr5-1293675-GTCC-G.
Other names: c.1323_1325delGGA (NM_198253.2); c.1323_1325del (NM_198253.3); c.1317GGA[2], p.Glu441del (NM_001193376.3); c.1317_1319GGA[2], p.Glu441del (NM_198253.3); short protein forms E441del.
Identifiers: ClinVar variation 212398 (VCV000212398.76), dbSNP rs377639087, ClinGen allele CA205307.